The following is an entry in ClinVar:

ClinVar aggregate classification (germline): Uncertain significance (1 of 4 stars; one submission).

Allele frequency attached by ClinVar (database versions not stated): gnomAD exomes 0.00001.
gnomAD v4.1: 3 of 1,614,248 alleles (0.00019%); highest among the groups gnomAD compares: East Asian, 0.0067%; no homozygotes.

Submission:

Women's Health and Genetics/Laboratory Corporation of America, LabCorp
Classification: Uncertain significance. Last evaluated: 2024-04-22. Review status: criteria provided, single submitter. Criteria: LabCorp Variant Classification Summary - May 2015. Collection method: clinical testing. Allele origin: germline.
Comment: Variant summary: IVD c.337G>A (p.Glu113Lys) results in a conservative amino acid change in the encoded protein sequence. Three of four in-silico tools predict a damaging effect of the variant on protein function. The variant was absent in 251484 control chromosomes. The available data on variant occurrences in the general population are insufficient to allow any conclusion about variant significance. c.337G>A has been reported in the literature in individuals affected with Isovaleryl-CoA Dehydrogenase Deficiency (Sakamoto_2015). These data do not allow any conclusion about variant significance. To our knowledge, no experimental evidence demonstrating an impact on protein function has been reported. The following publication have been ascertained in the context of this evaluation (PMID: 26018748). No submitters have cited clinical-significance assessments for this variant to ClinVar. Based on the evidence outlined above, the variant was classified as uncertain significance.

Literature cited by the submitters: PubMed 26018748.

NM_002225.5(IVD):c.337G>A (p.Glu113Lys)

Gene: IVD (isovaleryl-CoA dehydrogenase; plus strand). Cytogenetic location: 15q15.1.
Variant type: single nucleotide variant.
Coding change: c.337G>A on transcript NM_002225.5 (MANE Select); coding-DNA position 337, G replaced by A.
Protein change: p.Glu113Lys; replaces glutamic acid 113 with lysine.
Molecular consequence: missense variant. On other transcripts: non-coding transcript variant (1).
Genome position (GRCh38, 1-based): chr15:40,410,678, G>A. VCF-style: chr15-40410678-G-A. GRCh37 (hg19) VCF-style: chr15-40702877-G-A.
Other names: c.247G>A, p.Glu83Lys (NM_001159508.3); c.289G>A, p.Glu97Lys (NM_001354597.3); c.337G>A, p.Glu113Lys (NM_001354598.3, NM_001354601.3); c.424G>A, p.Glu142Lys (NM_001354599.3, NM_001354600.3); short protein forms E113K, E142K, E83K, E97K.
Identifiers: ClinVar variation 3251804 (VCV003251804.1), dbSNP rs1232893657.